The following is an entry in ClinVar:

NM_005751.5(AKAP9):c.8935C>T (p.Pro2979Ser)

Gene: AKAP9 (A-kinase anchoring protein 9; plus strand). Cytogenetic location: 7q21.2.
Variant type: single nucleotide variant.
Coding change: c.8935C>T on transcript NM_005751.5 (MANE Select); coding-DNA position 8935, C replaced by T.
Protein change: p.Pro2979Ser; replaces proline 2979 with serine.
Molecular consequence: missense variant.
Genome position (GRCh38, 1-based): chr7:92,085,597, C>T. VCF-style: chr7-92085597-C-T. GRCh37 (hg19) VCF-style: chr7-91714911-C-T.
Other names: p.P2979S:CCT>TCT; p.Pro2979Ser; c.3580C>T, p.Pro1194Ser (NM_001379277.1); c.8911C>T, p.Pro2971Ser (NM_147185.3); short protein forms P2979S, P2971S, P1194S.
Identifiers: ClinVar variation 136342 (VCV000136342.32), dbSNP rs1063242, ClinGen allele CA163157.

ClinVar aggregate classification (germline): Benign/Likely benign. Review status: criteria provided, multiple submitters, no conflicts (2 of 4 stars). 13 submissions from 13 submitters: Benign (8); Likely benign (3). 2 of the submissions do not count toward it. Last evaluated 2026-02-04.

Conditions:
Cardiovascular phenotype. Identifiers: MedGen CN230736.
Long QT syndrome (LQTS). Identifiers: MedGen C0023976, MeSH D008133, MONDO:0002442. Disease mechanism: loss of function. Inheritance: Various modes of inheritance.
Long QT syndrome 11 (LQT11). Identifiers: Orphanet 101016, Orphanet 768, MedGen C2678483, MONDO:0012738, OMIM 611820.

Allele frequency attached by ClinVar (database versions not stated): ExAC 0.99620; gnomAD exomes 0.99629 and 0.99689; gnomAD 0.99690; ESP Exome Variant Server 0.99739; TOPMed 0.99793; 1000 Genomes Project 0.99880; 1000 Genomes Project 30x 0.99891.
gnomAD v4.1: 1,609,035 of 1,614,044 alleles (100%); highest among the groups gnomAD compares: East Asian, 100%; 802,048 homozygotes.

Submissions (13):

Labcorp Genetics (formerly Invitae), Labcorp
Classification: Benign for Long QT syndrome. Last evaluated: 2026-02-04. Review status: criteria provided, single submitter. Criteria: Invitae Variant Classification Sherloc (09022015). Collection method: clinical testing. Allele origin: germline.

Blueprint Genetics
Classification: Benign. Last evaluated: 2024-11-27. Review status: criteria provided, single submitter. Criteria: ACMG Guidelines, 2015. Collection method: clinical testing. Allele origin: germline.

Mayo Clinic Laboratories, Mayo Clinic
Classification: Likely benign. Last evaluated: 2022-05-13. Review status: criteria provided, single submitter. Criteria: ACMG Guidelines, 2015. Collection method: clinical testing. Allele origin: germline. Observed: 394 variant alleles.

Genome-Nilou Lab
Classification: Benign for Long QT syndrome 11. Last evaluated: 2021-12-05. Review status: criteria provided, single submitter. Criteria: ACMG Guidelines, 2015. Collection method: clinical testing. Allele origin: germline. Affected: no.

Women's Health and Genetics/Laboratory Corporation of America, LabCorp
Classification: Benign. Last evaluated: 2019-08-12. Review status: criteria provided, single submitter. Criteria: LabCorp Variant Classification Summary - May 2015. Collection method: clinical testing. Allele origin: germline.

Eurofins Ntd Llc (ga)
Classification: Benign. Last evaluated: 2015-06-08. Review status: criteria provided, single submitter. Criteria: EGL Classification Definitions 2015. Collection method: clinical testing. Allele origin: germline. Observed: 1 variant allele, 1 homozygote.

Ambry Genetics
Classification: Benign for Cardiovascular phenotype. Last evaluated: 2015-03-09. Review status: criteria provided, single submitter. Criteria: Ambry Variant Classification Scheme 2023. Collection method: clinical testing. Allele origin: germline.

Biesecker Lab/Clinical Genomics Section, National Institutes of Health
Classification: Likely benign. Last evaluated: 2013-06-24. Review status: criteria provided, single submitter. Criteria: Ng et al. (Circ Cardiovasc Genet. 2013). Collection method: research. Allele origin: unknown. Observed: 864 variant alleles. Study: ClinSeq.
Comment: The study set was not selected for affection status in relation to any cancer. Pathogenicity categories were based on literature curation. See Pubmed ID:23861362 for details.

Medical sequencing

GeneDx
Classification: Benign. Last evaluated: 2011-08-08. Review status: criteria provided, single submitter. Criteria: GeneDx Variant Classification (06012015). Collection method: clinical testing. Allele origin: germline. Affected: yes.
Comment: This variant is considered likely benign or benign based on one or more of the following criteria: it is a conservative change, it occurs at a poorly conserved position in the protein, it is predicted to be benign by multiple in silico algorithms, and/or has population frequency not consistent with disease.

Breakthrough Genomics
Classification: Likely benign. Review status: criteria provided, single submitter. Criteria: ACMG Guidelines, 2015. Collection method: not provided. Allele origin: germline. Inheritance: Autosomal dominant inheritance. Affected: yes.

PreventionGenetics, part of Exact Sciences
Classification: Benign. Review status: criteria provided, single submitter. Criteria: ACMG Guidelines, 2015. Collection method: clinical testing. Allele origin: germline.

Clinical Genetics, Academic Medical Center
Classification: Benign. Review status: no assertion criteria provided. Collection method: clinical testing. Allele origin: germline. Affected: yes. Study: VKGL Data-share Consensus. Not counted in ClinVar's aggregate classification.

Diagnostic Laboratory, Department of Genetics, University Medical Center Groningen
Classification: Benign for Long QT syndrome 11. Review status: no assertion criteria provided. Collection method: clinical testing. Allele origin: germline. Affected: yes. Study: VKGL Data-share Consensus. Not counted in ClinVar's aggregate classification.